The following is an entry in ClinVar:

NM_000117.3(EMD):c.449G>A (p.Arg150Lys)

Gene: EMD (emerin; plus strand). Cytogenetic location: Xq28.
Variant type: single nucleotide variant.
Coding change: c.449G>A on transcript NM_000117.3 (MANE Select); coding-DNA position 449, G replaced by A.
Protein change: p.Arg150Lys; replaces arginine 150 with lysine.
Molecular consequence: missense variant.
Genome position (GRCh38, 1-based): chrX:154,380,802, G>A. VCF-style: chrX-154380802-G-A. GRCh37 (hg19) VCF-style: chrX-153609162-G-A.
Other names: short protein forms R150K.
Identifiers: ClinVar variation 3627619 (VCV003627619.2).

ClinVar aggregate classification (germline): Uncertain significance (1 of 4 stars; one submission).

Conditions:
X-linked Emery-Dreifuss muscular dystrophy. Also called: Muscular dystrophy, tardive Emery-Dreifuss type, with contractures. Identifiers: Orphanet 261, Orphanet 98863, MedGen C0751337, MONDO:0010680.

Submission:

Labcorp Genetics (formerly Invitae), Labcorp
Classification: Uncertain significance for X-linked Emery-Dreifuss muscular dystrophy. Last evaluated: 2024-04-25. Review status: criteria provided, single submitter. Criteria: Invitae Variant Classification Sherloc (09022015). Collection method: clinical testing. Allele origin: germline.
Comment: This sequence change replaces arginine, which is basic and polar, with lysine, which is basic and polar, at codon 150 of the EMD protein (p.Arg150Lys). This variant also falls at the last nucleotide of exon 5, which is part of the consensus splice site for this exon. This variant is not present in population databases (gnomAD no frequency). This variant has not been reported in the literature in individuals affected with EMD-related conditions. An algorithm developed to predict the effect of missense changes on protein structure and function (PolyPhen-2) suggests that this variant is likely to be tolerated. Variants that disrupt the consensus splice site are a relatively common cause of aberrant splicing (PMID: 17576681, 9536098). Algorithms developed to predict the effect of sequence changes on RNA splicing suggest that this variant may disrupt the consensus splice site. In summary, the available evidence is currently insufficient to determine the role of this variant in disease. Therefore, it has been classified as a Variant of Uncertain Significance.

Literature cited by the submitters: PubMed 17576681; PubMed 9536098.